The following is an entry in ClinVar:

ClinVar aggregate classification (germline): Uncertain significance (1 of 4 stars; one submission).

Allele frequency attached by ClinVar (database versions not stated): ExAC 0.00001; gnomAD 0.00001; gnomAD exomes 0.00001.
gnomAD v4.1: 11 of 1,613,886 alleles (0.00068%); highest among the groups gnomAD compares: East Asian, 0.0022%; no homozygotes.

Submission:

Labcorp Genetics (formerly Invitae), Labcorp
Classification: Uncertain significance. Last evaluated: 2023-06-29. Review status: criteria provided, single submitter. Criteria: Invitae Variant Classification Sherloc (09022015). Collection method: clinical testing. Allele origin: germline.
Comment: ClinVar contains an entry for this variant (Variation ID: 1921375). In summary, the available evidence is currently insufficient to determine the role of this variant in disease. Therefore, it has been classified as a Variant of Uncertain Significance. Algorithms developed to predict the effect of missense changes on protein structure and function output the following: SIFT: "Not Available"; PolyPhen-2: "Benign"; Align-GVGD: "Not Available". The isoleucine amino acid residue is found in multiple mammalian species, which suggests that this missense change does not adversely affect protein function. This variant has not been reported in the literature in individuals affected with SLC24A1-related conditions. This variant is present in population databases (rs757037005, gnomAD 0.002%). This sequence change replaces valine, which is neutral and non-polar, with isoleucine, which is neutral and non-polar, at codon 268 of the SLC24A1 protein (p.Val268Ile).

NM_004727.3(SLC24A1):c.802G>A (p.Val268Ile)

Gene: SLC24A1 (solute carrier family 24 member 1; plus strand). Cytogenetic location: 15q22.31.
Variant type: single nucleotide variant.
Coding change: c.802G>A on transcript NM_004727.3 (MANE Select); coding-DNA position 802, G replaced by A.
Protein change: p.Val268Ile; replaces valine 268 with isoleucine.
Molecular consequence: missense variant.
Genome position (GRCh38, 1-based): chr15:65,624,882, G>A. VCF-style: chr15-65624882-G-A. GRCh37 (hg19) VCF-style: chr15-65917220-G-A.
Other names: c.802G>A, p.Val268Ile (NM_001301031.1, NM_001301032.1, NM_001301033.2 and 1 more transcripts); short protein forms V268I.
Identifiers: ClinVar variation 1921375 (VCV001921375.3), dbSNP rs757037005, ClinGen allele CA7619804.
Genomic context (GRCh38, chr15:65,624,882, plus strand): 5'-ACTCTCAAGGGAATGTTTGATAGCACCCCAACTTTTCTGACACATGAGGTAGAAGCAAAC[G>A]TCTTGACTTCTCCAAGGAGCGTCATGGAAAAAAACAACCTGTTTCCCCCCAGAAGAGTGG-3'
Protein context (NP_004718.1, residues 258-278): TFLTHEVEAN[Val268Ile]LTSPRSVMEK